The following is an entry in ClinVar:

ClinVar aggregate classification (germline): Conflicting classifications of pathogenicity. Review status: criteria provided, conflicting classifications (1 of 4 stars). 9 submissions from 9 submitters: Pathogenic (2); Likely pathogenic (2); Uncertain significance (4). 1 of the submissions does not count toward it. Last evaluated 2026-08-22.

Conditions:
Inborn genetic diseases. Identifiers: MedGen C0950123, MeSH D030342.
Atrioventricular septal defect, susceptibility to, 2. Identifiers: MedGen C1853508, MONDO:0011650, OMIM 606217.
Jeffries-Lakhani neurodevelopmental syndrome. Identifiers: MedGen C5935596, MONDO:0958329, OMIM 620771.

Allele frequency attached by ClinVar (database versions not stated): gnomAD exomes 0.00030 and 0.00044; ExAC 0.00032; gnomAD 0.00032 and 0.00035; TOPMed 0.00032; ESP Exome Variant Server 0.00040.

Submissions (9):

GeneDx
Classification: Likely pathogenic. Last evaluated: 2026-08-22. Review status: criteria provided, single submitter. Criteria: GeneDx Variant Classification Process June 2021. Collection method: clinical testing. Allele origin: germline.
Comment: Reported in the heterozygous state in a patient with tetralogy of Fallot in published literature, although additional clinical information was not included (PMID: 34328347); Frameshift variant predicted to result in abnormal protein length as the last 101 amino acid(s) are replaced with 24 different amino acid(s); This variant is associated with the following publications: (PMID: 31589614, 37947183, 32437232, 39313616, 34328347, 40980404, 40870020, Geysens2026[Preprint])

Undiagnosed Diseases Network, NIH
Classification: Likely pathogenic for Jeffries-Lakhani neurodevelopmental syndrome. Last evaluated: 2026-06-15. Review status: criteria provided, single submitter. Criteria: ACMG Guidelines, 2015. Collection method: clinical testing. Allele origin: unknown. Inheritance: Autosomal recessive inheritance. Affected: yes. Observed: 1 variant allele, 1 compound heterozygote. Study: Undiagnosed Diseases Network (NIH), UDN.

Ambry Genetics
Classification: Pathogenic for Inborn genetic diseases. Last evaluated: 2024-11-04. Review status: criteria provided, single submitter. Criteria: Ambry Variant Classification Scheme 2023. Collection method: clinical testing. Allele origin: germline.
Comment: The c.959delA (p.Q320Rfs*25) alteration, located in coding exon 9 of the CRELD1 gene, consists of a deletion of one nucleotide at position 959, causing a translational frameshift with a predicted alternate stop codon after 25 amino acids. This alteration occurs at the 3' terminus of the CRELD1 gene, is not expected to trigger nonsense-mediated mRNA decay, and impacts the last 24% of the protein. Premature stop codons are typically deleterious in nature and a significant portion of the protein is affected (Ambry internal data). Based on data from gnomAD, the - allele has an overall frequency of 0.03% (84/282702) total alleles studied. The highest observed frequency was 0.058% (75/129068) of European (non-Finnish) alleles. In a cohort of individuals with biallelic variants in CRELD1 presenting with early-onset neurodevelopmental disorder features and slowly progressive non-neurologic features, this was detected in compound heterozygous form in seven unrelated probands (Jeffries, 2023). Based on the available evidence, this alteration is classified as pathogenic.

Blueprint Genetics
Classification: Uncertain significance. Last evaluated: 2024-06-05. Review status: criteria provided, single submitter. Criteria: ACMG Guidelines, 2015. Collection method: clinical testing. Allele origin: germline.

Institute of Human Genetics, Heidelberg University
Classification: Pathogenic for Jeffries-Lakhani neurodevelopmental syndrome. Last evaluated: 2024-05-24. Review status: criteria provided, single submitter. Criteria: ACMG Guidelines, 2015. Collection method: clinical testing. Allele origin: paternal. Affected: yes.

CeGaT Center for Human Genetics Tuebingen
Classification: Uncertain significance. Last evaluated: 2023-08-01. Review status: criteria provided, single submitter. Criteria: CeGaT Center For Human Genetics Tuebingen Variant Classification Criteria Version 2. Collection method: clinical testing. Allele origin: germline. Affected: yes. Observed: 2 variant alleles.
Comment: CRELD1: PVS1:Supporting

Labcorp Genetics (formerly Invitae), Labcorp
Classification: Uncertain significance for Atrioventricular septal defect, susceptibility to, 2. Last evaluated: 2022-07-19. Review status: criteria provided, single submitter. Criteria: Invitae Variant Classification Sherloc (09022015). Collection method: clinical testing. Allele origin: germline.
Comment: This sequence change creates a premature translational stop signal (p.Gln320Argfs*25) in the CRELD1 gene. It is expected to result in an absent or disrupted protein product. However, the current clinical and genetic evidence is not sufficient to establish whether loss-of-function variants in CRELD1 cause disease. This variant is present in population databases (rs759473511, gnomAD 0.06%), and has an allele count higher than expected for a pathogenic variant. This variant has not been reported in the literature in individuals affected with CRELD1-related conditions. ClinVar contains an entry for this variant (Variation ID: 546928). In summary, the available evidence is currently insufficient to determine the role of this variant in disease. Therefore, it has been classified as a Variant of Uncertain Significance.

Revvity Omics, Revvity
Classification: Uncertain significance for Atrioventricular septal defect, susceptibility to, 2. Last evaluated: 2021-11-12. Review status: criteria provided, single submitter. Criteria: ACMG Guidelines, 2015. Collection method: clinical testing. Allele origin: germline.

OMIM
Classification: Pathogenic for JEFFRIES-LAKHANI NEURODEVELOPMENTAL SYNDROME. Last evaluated: 2024-03-29. Review status: no assertion criteria provided. Collection method: literature only. Allele origin: germline. Not counted in ClinVar's aggregate classification.

Literature cited by the submitters: PubMed 37947183 (cited by 3 submitters).

NM_001077415.3(CRELD1):c.959del (p.Gln320fs)

Gene: CRELD1 (CRELD disulfide isomerase 1; plus strand). Cytogenetic location: 3p25.3.
Variant type: Deletion.
Coding change: c.959del on transcript NM_001077415.3 (MANE Select); coding-DNA position 959, one base deleted (A; older notation c.959delA).
Protein change: p.Gln320fs; shifts the reading frame from glutamine 320.
Molecular consequence: frameshift variant. On other transcripts: non-coding transcript variant (3).
Genome position (GRCh38, 1-based): chr3:9,943,426, A deleted. VCF-style (leftmost placement, unchanged base first): chr3-9943425-CA-C. GRCh37 (hg19) VCF-style: chr3-9985109-CA-C.
Other names: c.959delA (NM_015513.6, NM_015513.4); c.959del (NM_015513.5, NM_015513.4); c.959del, p.Gln320fs (NM_001031717.4, NM_001374316.1, NM_001374317.1 and 2 more transcripts); c.875del, p.Gln292fs (NM_001374319.1, NM_001374320.1); short protein forms Q320fs, Q292fs.
Identifiers: ClinVar variation 546928 (VCV000546928.64), dbSNP rs759473511, ClinGen allele CA2247873.